The following is an entry in ClinVar:

ClinVar aggregate classification (germline): Uncertain significance (1 of 4 stars; one submission).

gnomAD v4.1: 17 of 1,613,982 alleles (0.0011%); highest among the groups gnomAD compares: Non-Finnish European, 0.0014%; no homozygotes.

Submission:

Labcorp Genetics (formerly Invitae), Labcorp
Classification: Uncertain significance. Last evaluated: 2024-05-13. Review status: criteria provided, single submitter. Criteria: Invitae Variant Classification Sherloc (09022015). Collection method: clinical testing. Allele origin: germline.
Comment: This sequence change replaces histidine, which is basic and polar, with leucine, which is neutral and non-polar, at codon 4700 of the HMCN1 protein (p.His4700Leu). This variant is present in population databases (rs562590492, gnomAD 0.003%). This variant has not been reported in the literature in individuals affected with HMCN1-related conditions. An algorithm developed to predict the effect of missense changes on protein structure and function (PolyPhen-2) suggests that this variant is likely to be tolerated. In summary, the available evidence is currently insufficient to determine the role of this variant in disease. Therefore, it has been classified as a Variant of Uncertain Significance.

NM_031935.3(HMCN1):c.14099A>T (p.His4700Leu)

Gene: HMCN1 (hemicentin 1; plus strand). Cytogenetic location: 1q31.1.
Variant type: single nucleotide variant.
Coding change: c.14099A>T on transcript NM_031935.3 (MANE Select); coding-DNA position 14099, A replaced by T.
Protein change: p.His4700Leu; replaces histidine 4700 with leucine.
Molecular consequence: missense variant.
Genome position (GRCh38, 1-based): chr1:186,144,536, A>T. VCF-style: chr1-186144536-A-T. GRCh37 (hg19) VCF-style: chr1-186113668-A-T.
Other names: short protein forms H4700L.
Identifiers: ClinVar variation 3677590 (VCV003677590.2).
Genomic context (GRCh38, chr1:186,144,536, plus strand): 5'-TGTAACACGATGGTTCCTAGGTAGTAAGAAAGCATGTACCTTTTTCCCTTATTCCAGTTC[A>T]TGGCAAGTGGGCGACTTGGGCCAGTTGGAGTGCCTGTTCTGTGTCATGTGGAGGAGGTGC-3'
Protein context (NP_114141.2, residues 4690-4710): QVCNERNCPI[His4700Leu]GKWATWASWS